The following is an entry in ClinVar:

NM_005431.2(XRCC2):c.362G>A (p.Ser121Asn)

Gene: XRCC2 (X-ray repair cross complementing 2; minus strand). Cytogenetic location: 7q36.1.
Variant type: single nucleotide variant.
Coding change: c.362G>A on transcript NM_005431.2 (MANE Select); coding-DNA position 362, G replaced by A.
Protein change: p.Ser121Asn; replaces serine 121 with asparagine.
Molecular consequence: missense variant.
Genome position (GRCh38, 1-based): chr7:152,649,123, C>T on the plus strand (G>A on the coding strand, the complement: XRCC2 is on the minus strand). VCF-style: chr7-152649123-C-T. GRCh37 (hg19) VCF-style: chr7-152346208-C-T.
Other names: short protein forms S121N.
Identifiers: ClinVar variation 645898 (VCV000645898.8), dbSNP rs1590129598, ClinGen allele CA370198865.

ClinVar aggregate classification (germline): Uncertain significance (1 of 4 stars; one submission).

Submission:

Labcorp Genetics (formerly Invitae), Labcorp
Classification: Uncertain significance. Last evaluated: 2024-03-23. Review status: criteria provided, single submitter. Criteria: Invitae Variant Classification Sherloc (09022015). Collection method: clinical testing. Allele origin: germline.
Comment: This sequence change replaces serine, which is neutral and polar, with asparagine, which is neutral and polar, at codon 121 of the XRCC2 protein (p.Ser121Asn). This variant is not present in population databases (gnomAD no frequency). This variant has not been reported in the literature in individuals affected with XRCC2-related conditions. ClinVar contains an entry for this variant (Variation ID: 645898). Advanced modeling of protein sequence and biophysical properties (such as structural, functional, and spatial information, amino acid conservation, physicochemical variation, residue mobility, and thermodynamic stability) performed at Invitae indicates that this missense variant is not expected to disrupt XRCC2 protein function with a negative predictive value of 80%. In summary, the available evidence is currently insufficient to determine the role of this variant in disease. Therefore, it has been classified as a Variant of Uncertain Significance.